The following is an entry in ClinVar:

NM_001365536.1(SCN9A):c.2008_2010del (p.Cys670del)

Genes: SCN9A (sodium voltage-gated channel alpha subunit 9; minus strand), SCN1A-AS1 (SCN1A and SCN9A antisense RNA 1; plus strand). Cytogenetic location: 2q24.3.
Variant type: Deletion.
Coding change: c.2008_2010del on transcript NM_001365536.1 (MANE Select); coding-DNA positions 2008 to 2010, 3 bases deleted (TGT; older notation c.2008_2010delTGT).
Protein change: p.Cys670del; deletes cysteine 670.
Molecular consequence: inframe deletion. On other transcripts: inframe indel (1).
Genome position (GRCh38, 1-based): chr2:166,281,773-166,281,775, ACA deleted on the plus strand (TGT on the coding strand, the reverse complement: SCN9A is on the minus strand); deleting any 3 consecutive bases within chr2:166,281,773-166,281,777 gives the same sequence; the c. name uses the placement nearest the transcript's 3' end. VCF-style (leftmost placement, unchanged base first): chr2-166281772-TACA-T. GRCh37 (hg19) VCF-style: chr2-167138282-TACA-T.
Other names: c.1973_1975delGTT, p.Cys659del (NM_002977.4); short protein forms C659del, C670del.
Identifiers: ClinVar variation 1044788 (VCV001044788.9), dbSNP rs1697500605, ClinGen allele CA1304966781.

ClinVar aggregate classification (germline): Uncertain significance (1 of 4 stars; one submission).

Conditions:
Neuropathy, hereditary sensory and autonomic, type 2A (HSAN2A). Also called: MORVAN DISEASE; ACROOSTEOLYSIS, GIACCAI TYPE; ACROOSTEOLYSIS, NEUROGENIC; NEUROPATHY, CONGENITAL SENSORY; NEUROPATHY, HEREDITARY SENSORY RADICULAR, AUTOSOMAL RECESSIVE; NEUROPATHY, HEREDITARY SENSORY, TYPE IIA. Identifiers: Orphanet 970, MedGen C2752089, MONDO:0024309, OMIM 201300.
Generalized epilepsy with febrile seizures plus, type 7 (GEFSP7). Also called: GEFS+, TYPE 7. Identifiers: Orphanet 36387, MedGen C2751778, MONDO:0013470, OMIM 613863.

Submission:

Labcorp Genetics (formerly Invitae), Labcorp
Classification: Uncertain significance for Neuropathy, hereditary sensory and autonomic, type 2A; Generalized epilepsy with febrile seizures plus, type 7. Last evaluated: 2020-06-15. Review status: criteria provided, single submitter. Criteria: Invitae Variant Classification Sherloc (09022015). Collection method: clinical testing. Allele origin: germline.
Comment: This variant has not been reported in the literature in individuals with SCN9A-related conditions. In summary, the available evidence is currently insufficient to determine the role of this variant in disease. Therefore, it has been classified as a Variant of Uncertain Significance. Experimental studies and prediction algorithms are not available or were not evaluated, and the functional significance of this variant is currently unknown. This variant is not present in population databases (ExAC no frequency). This variant, c.1975_1977del, results in the deletion of 1 amino acid(s) of the SCN9A protein (p.Cys659del), but otherwise preserves the integrity of the reading frame.